The following is an entry in ClinVar:

ClinVar aggregate classification (germline): Uncertain significance (1 of 4 stars; one submission).

Conditions:
Peroxisome biogenesis disorder 7A (Zellweger). Also called: Peroxisome biogenesis disorder 7A. Identifiers: Orphanet 912, MedGen C3888385, MONDO:0013938, OMIM 614872.
Peroxisome biogenesis disorder 7B (PBD7B). Identifiers: Orphanet 44, MedGen C3553951, MONDO:0013939, OMIM 614873.

Submission:

Labcorp Genetics (formerly Invitae), Labcorp
Classification: Uncertain significance for Peroxisome biogenesis disorder 7A (Zellweger); Peroxisome biogenesis disorder 7B. Last evaluated: 2022-09-27. Review status: criteria provided, single submitter. Criteria: Invitae Variant Classification Sherloc (09022015). Collection method: clinical testing. Allele origin: germline.
Comment: This variant has not been reported in the literature in individuals affected with PEX26-related conditions. Algorithms developed to predict the effect of sequence changes on RNA splicing suggest that this variant may create or strengthen a splice site. In summary, the available evidence is currently insufficient to determine the role of this variant in disease. Therefore, it has been classified as a Variant of Uncertain Significance. This variant is not present in population databases (gnomAD no frequency). This sequence change affects codon 244 of the PEX26 mRNA. It is a 'silent' change, meaning that it does not change the encoded amino acid sequence of the PEX26 protein.

NM_001127649.3(PEX26):c.732G>A (p.Val244=)

Gene: PEX26 (peroxisomal biogenesis factor 26; plus strand). Cytogenetic location: 22q11.21.
Variant type: single nucleotide variant.
Coding change: c.732G>A on transcript NM_001127649.3 (MANE Select); coding-DNA position 732, G replaced by A.
Protein change: p.Val244=; no amino-acid change (valine 244 retained).
Molecular consequence: synonymous variant. On other transcripts: intron variant (1).
Genome position (GRCh38, 1-based): chr22:18,085,176, G>A. VCF-style: chr22-18085176-G-A. GRCh37 (hg19) VCF-style: chr22-18567942-G-A.
Other names: c.732G>A, p.Val244= (NM_017929.6); c.667+1444G>A (NM_001199319.2).
Identifiers: ClinVar variation 2077277 (VCV002077277.3), dbSNP rs921693991, ClinGen allele CA321290454.